The following is an entry in ClinVar:

NM_001018111.3(PODXL):c.172A>G (p.Thr58Ala)

Gene: PODXL (podocalyxin like; minus strand). Cytogenetic location: 7q32.3.
Variant type: single nucleotide variant.
Coding change: c.172A>G on transcript NM_001018111.3 (MANE Select); coding-DNA position 172, A replaced by G.
Protein change: p.Thr58Ala; replaces threonine 58 with alanine.
Molecular consequence: missense variant.
Genome position (GRCh38, 1-based): chr7:131,511,362, T>C on the plus strand (A>G on the coding strand, the complement: PODXL is on the minus strand). VCF-style: chr7-131511362-T-C. GRCh37 (hg19) VCF-style: chr7-131196121-T-C.
Other names: c.172A>G, p.Thr58Ala (NM_005397.4); short protein forms T58A.
Identifiers: ClinVar variation 2062594 (VCV002062594.4), dbSNP rs760173831, ClinGen allele CA4488755.

ClinVar aggregate classification (germline): Uncertain significance (1 of 4 stars; one submission).

Allele frequency attached by ClinVar (database versions not stated): ExAC 0.00001; gnomAD exomes below 0.00001.
gnomAD v4.1: 3 of 1,610,144 alleles (0.00019%); highest among the groups gnomAD compares: Admixed American, 0.0033%; no homozygotes.

Submission:

Labcorp Genetics (formerly Invitae), Labcorp
Classification: Uncertain significance. Last evaluated: 2024-09-11. Review status: criteria provided, single submitter. Criteria: Invitae Variant Classification Sherloc (09022015). Collection method: clinical testing. Allele origin: germline.
Comment: This sequence change replaces threonine, which is neutral and polar, with alanine, which is neutral and non-polar, at codon 58 of the PODXL protein (p.Thr58Ala). This variant is present in population databases (rs760173831, gnomAD 0.006%). This variant has not been reported in the literature in individuals affected with PODXL-related conditions. ClinVar contains an entry for this variant (Variation ID: 2062594). An algorithm developed to predict the effect of missense changes on protein structure and function outputs the following: PolyPhen-2: "Benign". The alanine amino acid residue is found in multiple mammalian species, which suggests that this missense change does not adversely affect protein function. In summary, the available evidence is currently insufficient to determine the role of this variant in disease. Therefore, it has been classified as a Variant of Uncertain Significance.